The following is an entry in ClinVar:

NM_000361.3(THBD):c.904C>A (p.Gln302Lys)

Gene: THBD (thrombomodulin; minus strand). Cytogenetic location: 20p11.21.
Variant type: single nucleotide variant.
Coding change: c.904C>A on transcript NM_000361.3 (MANE Select); coding-DNA position 904, C replaced by A.
Protein change: p.Gln302Lys; replaces glutamine 302 with lysine.
Molecular consequence: missense variant.
Genome position (GRCh38, 1-based): chr20:23,048,601, G>T on the plus strand (C>A on the coding strand, the complement: THBD is on the minus strand). VCF-style: chr20-23048601-G-T. GRCh37 (hg19) VCF-style: chr20-23029238-G-T.
Other names: short protein forms Q302K.
Identifiers: ClinVar variation 2127366 (VCV002127366.5), dbSNP rs762313482, ClinGen allele CA9787664.

ClinVar aggregate classification (germline): Conflicting classifications of pathogenicity. Review status: criteria provided, conflicting classifications (1 of 4 stars). 2 submissions from 2 submitters: Uncertain significance (1); Likely benign (1). Last evaluated 2025-10-18.

Conditions:
Inborn genetic diseases. Identifiers: MedGen C0950123, MeSH D030342.

Allele frequency attached by ClinVar (database versions not stated): gnomAD exomes below 0.00001; ExAC 0.00001; TOPMed 0.00002; gnomAD 0.00001.
gnomAD v4.1: 4 of 1,598,492 alleles (0.00025%); highest among the groups gnomAD compares: Non-Finnish European, 0.00025%; no homozygotes.

Submissions (2):

Labcorp Genetics (formerly Invitae), Labcorp
Classification: Uncertain significance. Last evaluated: 2025-10-18. Review status: criteria provided, single submitter. Criteria: Invitae Variant Classification Sherloc (09022015). Collection method: clinical testing. Allele origin: germline.
Comment: This sequence change replaces glutamine, which is neutral and polar, with lysine, which is basic and polar, at codon 302 of the THBD protein (p.Gln302Lys). The frequency data for this variant in the population databases is considered unreliable, as metrics indicate poor data quality at this position in the gnomAD database. This variant has not been reported in the literature in individuals affected with THBD-related conditions. ClinVar contains an entry for this variant (Variation ID: 2127366). An algorithm developed to predict the effect of missense changes on protein structure and function outputs the following: PolyPhen-2: "Benign". The lysine amino acid residue is found in multiple mammalian species, which suggests that this missense change does not adversely affect protein function. In summary, the available evidence is currently insufficient to determine the role of this variant in disease. Therefore, it has been classified as a Variant of Uncertain Significance.

Ambry Genetics
Classification: Likely benign for Inborn genetic diseases. Last evaluated: 2024-11-12. Review status: criteria provided, single submitter. Criteria: Ambry Variant Classification Scheme 2023. Collection method: clinical testing. Allele origin: germline.